The following is an entry in ClinVar:

NC_000012.11:g.(?_89865925)_(89866072_?)del

Gene: POC1B (POC1 centriolar protein B; minus strand). Cytogenetic location: 12q21.33.
Variant type: Deletion.
Identifiers: ClinVar variation 1438274 (VCV001438274.6).

ClinVar aggregate classification (germline): Uncertain significance (1 of 4 stars; one submission).

Submission:

Labcorp Genetics (formerly Invitae), Labcorp
Classification: Uncertain significance. Last evaluated: 2021-04-08. Review status: criteria provided, single submitter. Criteria: Invitae Variant Classification Sherloc (09022015). Collection method: clinical testing. Allele origin: germline.
Comment: In summary, the available evidence is currently insufficient to determine the role of this variant in disease. Therefore, it has been classified as a Variant of Uncertain Significance. Experimental studies and prediction algorithms are not available or were not evaluated, and the functional significance of this variant is currently unknown. This variant has not been reported in the literature in individuals with POC1B-related conditions. This variant is a gross deletion of the genomic region encompassing exon(s) 5 of the POC1B gene. This variant would be expected to be in-frame, preserving the integrity of the reading frame.